The following is an entry in ClinVar:

NM_001109809.5(ZFP57):c.112C>T (p.Arg38Trp)

Gene: ZFP57 (ZFP57 zinc finger protein; minus strand). Cytogenetic location: 6p22.1.
Variant type: single nucleotide variant.
Coding change: c.112C>T on transcript NM_001109809.5 (MANE Select); coding-DNA position 112, C replaced by T.
Protein change: p.Arg38Trp; replaces arginine 38 with tryptophan.
Molecular consequence: missense variant. On other transcripts: intron variant (1).
Genome position (GRCh38, 1-based): chr6:29,676,892, G>A on the plus strand (C>T on the coding strand, the complement: ZFP57 is on the minus strand). VCF-style: chr6-29676892-G-A. GRCh37 (hg19) VCF-style: chr6-29644669-G-A.
Other names: c.-93-833C>T (NM_001366333.2); short protein forms R38W.
Identifiers: ClinVar variation 356222 (VCV000356222.17), dbSNP rs114772002, ClinGen allele CA3690905.

ClinVar aggregate classification (germline): Benign/Likely benign. Review status: criteria provided, multiple submitters, no conflicts (2 of 4 stars). 5 submissions from 5 submitters: Benign (3); Likely benign (2). Last evaluated 2026-01-16.

Conditions:
Diabetes mellitus, transient neonatal, 1 (TNDM1). Also called: Diabetes Mellitus, 6q24-Related Transient Neonatal. Identifiers: Orphanet 99886, MedGen C1832386, MONDO:0011073, OMIM 601410.
Monogenic diabetes. Identifiers: Orphanet 183625, MedGen C3888631, MONDO:0015967.

Allele frequency attached by ClinVar (database versions not stated): gnomAD exomes 0.00115 and 0.00172; ExAC 0.00198; ESP Exome Variant Server 0.00409; gnomAD 0.00457 and 0.00482; TOPMed 0.00519; 1000 Genomes Project 0.00639; 1000 Genomes Project 30x 0.00765.

Submissions (5):

Labcorp Genetics (formerly Invitae), Labcorp
Classification: Benign. Last evaluated: 2026-01-16. Review status: criteria provided, single submitter. Criteria: Invitae Variant Classification Sherloc (09022015). Collection method: clinical testing. Allele origin: germline.

ARUP Laboratories, Molecular Genetics and Genomics, ARUP Laboratories
Classification: Likely benign for Diabetes mellitus, transient neonatal, 1. Last evaluated: 2025-03-28. Review status: criteria provided, single submitter. Criteria: ARUP Molecular Germline Variant Investigation Process 2024. Collection method: clinical testing. Allele origin: germline.

Blueprint Genetics
Classification: Likely benign. Last evaluated: 2024-11-06. Review status: criteria provided, single submitter. Criteria: ACMG Guidelines, 2015. Collection method: clinical testing. Allele origin: germline.

Personalized Diabetes Medicine Program, University of Maryland School of Medicine
Classification: Benign for Monogenic diabetes. Last evaluated: 2019-02-15. Review status: criteria provided, single submitter. Criteria: ACMG Guidelines, 2015. Collection method: research. Allele origin: unknown. Observed: 1 variant allele, 1 heterozygote.
Comment: ACMG criteria: BA1 (1.7% MAF in gnomAD Africans), BP4 (REVEL 0.034 + 10 predictors) = benign

Illumina Laboratory Services, Illumina
Classification: Benign for Diabetes mellitus, transient neonatal, 1. Last evaluated: 2018-01-13. Review status: criteria provided, single submitter. Criteria: ICSL Variant Classification Criteria 13 December 2019. Collection method: clinical testing. Allele origin: germline.
Comment: This variant was observed in the ICSL laboratory as part of a predisposition screen in an ostensibly healthy population. It had not been previously curated by ICSL or reported in the Human Gene Mutation Database (HGMD: prior to June 1st, 2018), and was therefore a candidate for classification through an automated scoring system. Utilizing variant allele frequency, disease prevalence and penetrance estimates, and inheritance mode, an automated score was calculated to assess if this variant is too frequent to cause the disease. Based on the score and internal cut-off values, a variant classified as benign is not then subjected to further curation. The score for this variant resulted in a classification of benign for this disease.